The following is an entry in ClinVar:

NM_024027.5(COLEC11):c.622C>G (p.Leu208Val)

Gene: COLEC11 (collectin subfamily member 11; plus strand). Cytogenetic location: 2p25.3.
Variant type: single nucleotide variant.
Coding change: c.622C>G on transcript NM_024027.5 (MANE Select); coding-DNA position 622, C replaced by G.
Protein change: p.Leu208Val; replaces leucine 208 with valine.
Molecular consequence: missense variant. On other transcripts: non-coding transcript variant (1).
Genome position (GRCh38, 1-based): chr2:3,643,924, C>G. VCF-style: chr2-3643924-C-G. GRCh37 (hg19) VCF-style: chr2-3691514-C-G.
Other names: c.550C>G, p.Leu184Val (NM_001255982.2, NM_001255983.2); c.478C>G, p.Leu160Val (NM_001255984.2); c.664C>G, p.Leu222Val (NM_001255985.1); c.544C>G, p.Leu182Val (NM_001255986.1); c.472C>G, p.Leu158Val (NM_001255987.1, NM_001255988.1); c.400C>G, p.Leu134Val (NM_001255989.1); c.613C>G, p.Leu205Val (NM_199235.3); short protein forms L160V, L184V, L208V, L222V, L158V, L182V, L205V, L134V.
Identifiers: ClinVar variation 2210327 (VCV002210327.3), dbSNP rs1471620221, ClinGen allele CA345749173.

ClinVar aggregate classification (germline): Uncertain significance. Review status: criteria provided, multiple submitters, no conflicts (2 of 4 stars). 2 submissions from 2 submitters: Uncertain significance (2). Last evaluated 2025-10-04.

Conditions:
Inborn genetic diseases. Identifiers: MedGen C0950123, MeSH D030342.

Allele frequency attached by ClinVar (database versions not stated): gnomAD exomes 0.00001.
gnomAD v4.1: 12 of 1,614,132 alleles (0.00074%); highest among the groups gnomAD compares: Non-Finnish European, 0.001%; no homozygotes.

Submissions (2):

Labcorp Genetics (formerly Invitae), Labcorp
Classification: Uncertain significance. Last evaluated: 2025-10-04. Review status: criteria provided, single submitter. Criteria: Invitae Variant Classification Sherloc (09022015). Collection method: clinical testing. Allele origin: germline.
Comment: This sequence change replaces leucine, which is neutral and non-polar, with valine, which is neutral and non-polar, at codon 208 of the COLEC11 protein (p.Leu208Val). This variant is present in population databases (no rsID available, gnomAD 0.0009%). This variant has not been reported in the literature in individuals affected with COLEC11-related conditions. ClinVar contains an entry for this variant (Variation ID: 2210327). Invitae Evidence Modeling of protein sequence and biophysical properties (such as structural, functional, and spatial information, amino acid conservation, physicochemical variation, residue mobility, and thermodynamic stability) indicates that this missense variant is not expected to disrupt COLEC11 protein function with a negative predictive value of 80%. In summary, the available evidence is currently insufficient to determine the role of this variant in disease. Therefore, it has been classified as a Variant of Uncertain Significance.

Ambry Genetics
Classification: Uncertain significance for Inborn genetic diseases. Last evaluated: 2021-07-15. Review status: criteria provided, single submitter. Criteria: Ambry Variant Classification Scheme 2023. Collection method: clinical testing. Allele origin: germline.